The following is an entry in ClinVar:

ClinVar aggregate classification (germline): Uncertain significance (1 of 4 stars; one submission).

Allele frequency attached by ClinVar (database versions not stated): gnomAD exomes below 0.00001; ExAC 0.00001.
gnomAD v4.1: 2 of 1,614,168 alleles (0.00012%); highest among the groups gnomAD compares: Admixed American, 0.0017%; no homozygotes.

Submission:

Labcorp Genetics (formerly Invitae), Labcorp
Classification: Uncertain significance. Last evaluated: 2021-08-30. Review status: criteria provided, single submitter. Criteria: Invitae Variant Classification Sherloc (09022015). Collection method: clinical testing. Allele origin: germline.
Comment: This sequence change replaces tyrosine with histidine at codon 3938 of the USH2A protein (p.Tyr3938His). The tyrosine residue is highly conserved and there is a moderate physicochemical difference between tyrosine and histidine. This variant is present in population databases (rs753038400, ExAC 0.01%). This variant has not been reported in the literature in individuals affected with USH2A-related conditions. Algorithms developed to predict the effect of missense changes on protein structure and function (SIFT, PolyPhen-2, Align-GVGD) all suggest that this variant is likely to be disruptive. In summary, the available evidence is currently insufficient to determine the role of this variant in disease. Therefore, it has been classified as a Variant of Uncertain Significance.

NM_206933.4(USH2A):c.11812T>C (p.Tyr3938His)

Gene: USH2A (usherin; minus strand). Cytogenetic location: 1q41.
Variant type: single nucleotide variant.
Coding change: c.11812T>C on transcript NM_206933.4 (MANE Select); coding-DNA position 11812, T replaced by C.
Protein change: p.Tyr3938His; replaces tyrosine 3938 with histidine.
Molecular consequence: missense variant.
Genome position (GRCh38, 1-based): chr1:215,728,284, A>G on the plus strand (T>C on the coding strand, the complement: USH2A is on the minus strand). VCF-style: chr1-215728284-A-G. GRCh37 (hg19) VCF-style: chr1-215901626-A-G.
Other names: short protein forms Y3938H.
Identifiers: ClinVar variation 1500956 (VCV001500956.5), dbSNP rs753038400, ClinGen allele CA1393616.